The following is an entry in ClinVar:

ClinVar aggregate classification (germline): Likely pathogenic. Review status: criteria provided, multiple submitters, no conflicts (2 of 4 stars). 2 submissions from 2 submitters: Likely pathogenic (2). Last evaluated 2026-08-05.

Conditions:
Inborn genetic diseases. Identifiers: MedGen C0950123, MeSH D030342.

Submissions (2):

Ambry Genetics
Classification: Likely pathogenic for Inborn genetic diseases. Last evaluated: 2026-08-05. Review status: criteria provided, single submitter. Criteria: Ambry Variant Classification Scheme 2023. Collection method: clinical testing. Allele origin: germline.
Comment: The c.261G>T (p.W87C) alteration is located in exon 1 (coding exon 1) of the SOX11 gene. This alteration results from a G to T substitution at nucleotide position 261, causing the tryptophan (W) at amino acid position 87 to be replaced by a cysteine (C). This variant was not reported in population-based cohorts in the Genome Aggregation Database (gnomAD). This amino acid position is highly conserved in available vertebrate species. This missense variant is located in a region that has a low rate of benign missense variation (Lek, 2016; Firth, 2009). This alteration is predicted to be deleterious by in silico analysis. Based on the available evidence, this alteration is classified as likely pathogenic.

GeneDx
Classification: Likely pathogenic. Last evaluated: 2024-08-05. Review status: criteria provided, single submitter. Criteria: GeneDx Variant Classification Process June 2021. Collection method: clinical testing. Allele origin: germline. Affected: yes.
Comment: Not observed at significant frequency in large population cohorts (gnomAD); In silico analysis supports that this missense variant has a deleterious effect on protein structure/function; Has not been previously published as pathogenic or benign to our knowledge; This variant is associated with the following publications: (PMID: 24886874)

NM_003108.4(SOX11):c.261G>T (p.Trp87Cys)

Gene: SOX11 (SRY-box transcription factor 11; plus strand). Cytogenetic location: 2p25.2.
Variant type: single nucleotide variant.
Coding change: c.261G>T on transcript NM_003108.4 (MANE Select); coding-DNA position 261, G replaced by T.
Protein change: p.Trp87Cys; replaces tryptophan 87 with cysteine.
Molecular consequence: missense variant.
Genome position (GRCh38, 1-based): chr2:5,692,982, G>T. VCF-style: chr2-5692982-G-T. GRCh37 (hg19) VCF-style: chr2-5833114-G-T.
Other names: short protein forms W87C.
Identifiers: ClinVar variation 3602936 (VCV003602936.2).
Genomic context (GRCh38, chr2:5,692,982, plus strand): 5'-CATGGAGCAGTCTCCGGACATGCACAACGCCGAGATCTCCAAGAGGCTGGGCAAGCGCTG[G>T]AAAATGCTGAAGGACAGCGAGAAGATCCCGTTCATCCGGGAGGCGGAGCGGCTGCGGCTC-3'
Protein context (NP_003099.1, residues 77-97): AEISKRLGKR[Trp87Cys]KMLKDSEKIP